The following is an entry in ClinVar:

NM_000399.5(EGR2):c.311G>A (p.Gly104Asp)

Gene: EGR2 (early growth response 2; minus strand). Cytogenetic location: 10q21.3.
Variant type: single nucleotide variant.
Coding change: c.311G>A on transcript NM_000399.5 (MANE Select); coding-DNA position 311, G replaced by A.
Protein change: p.Gly104Asp; replaces glycine 104 with aspartic acid.
Molecular consequence: missense variant.
Genome position (GRCh38, 1-based): chr10:62,814,327, C>T on the plus strand (G>A on the coding strand, the complement: EGR2 is on the minus strand). VCF-style: chr10-62814327-C-T. GRCh37 (hg19) VCF-style: chr10-64574087-C-T.
Other names: c.311G>A, p.Gly104Asp (NM_001136177.3, NM_001136178.2); c.161G>A, p.Gly54Asp (NM_001136179.3, NM_001321037.2); c.350G>A, p.Gly117Asp (NM_001410931.1); short protein forms G117D, G54D, G104D.
Identifiers: ClinVar variation 2047840 (VCV002047840.4), dbSNP rs1224622863, ClinGen allele CA377031530.

ClinVar aggregate classification (germline): Uncertain significance (1 of 4 stars; one submission).

Conditions:
Charcot-Marie-Tooth disease, type I (CMT1). Also called: Charcot-Marie-Tooth, Type 1; Charcot-Marie-Tooth disease type 1. Identifiers: Orphanet 65753, MedGen C0751036, MONDO:0019011.

Allele frequency attached by ClinVar (database versions not stated): gnomAD exomes below 0.00001; TOPMed below 0.00001; gnomAD 0.00001.
gnomAD v4.1: 3 of 1,613,978 alleles (0.00019%); highest among the groups gnomAD compares: African/African-American, 0.004%; no homozygotes.

Submission:

Labcorp Genetics (formerly Invitae), Labcorp
Classification: Uncertain significance for Charcot-Marie-Tooth disease, type I. Last evaluated: 2022-04-20. Review status: criteria provided, single submitter. Criteria: Invitae Variant Classification Sherloc (09022015). Collection method: clinical testing. Allele origin: germline.
Comment: In summary, the available evidence is currently insufficient to determine the role of this variant in disease. Therefore, it has been classified as a Variant of Uncertain Significance. Algorithms developed to predict the effect of missense changes on protein structure and function are either unavailable or do not agree on the potential impact of this missense change (SIFT: "Tolerated"; PolyPhen-2: "Probably Damaging"; Align-GVGD: "Class C0"). This variant has not been reported in the literature in individuals affected with EGR2-related conditions. This variant is present in population databases (no rsID available, gnomAD 0.007%). This sequence change replaces glycine, which is neutral and non-polar, with aspartic acid, which is acidic and polar, at codon 104 of the EGR2 protein (p.Gly104Asp).